The following is an entry in ClinVar:

ClinVar aggregate classification (germline): Uncertain significance. Review status: criteria provided, multiple submitters, no conflicts (2 of 4 stars). 3 submissions from 3 submitters: Uncertain significance (3). Last evaluated 2024-01-03.

Conditions:
Maturity-onset diabetes of the young type 3. Also called: MODY type 3; MODY, type III. Identifiers: Orphanet 552, MedGen C1838100, MeSH C563933, MONDO:0010894, OMIM 600496. Disease mechanism: loss of function.
Diabetes mellitus type 1 (T1D). Also called: Diabetes Mellitus, Juvenile-Onset; Type I diabetes mellitus. Identifiers: MedGen C0011854, MONDO:0005147, OMIM 222100, HP:0100651.
Type 2 diabetes mellitus. Also called: Type II diabetes mellitus. Identifiers: MedGen C0011860, MeSH D003924, MONDO:0005148, OMIM 125853, HP:0005978.
Hepatic adenomas, familial. Also called: LIVER CELL ADENOMAS, FAMILIAL; HEPATIC ADENOMA, SOMATIC. Identifiers: MedGen C1840646, MONDO:0007718, OMIM 142330.
Type 1 diabetes mellitus 20 (T1D20). Also called: Diabetes mellitus, insulin-dependent, 20. Identifiers: MedGen C2675866, MONDO:0012919, OMIM 612520.
Nonpapillary renal cell carcinoma. Identifiers: Orphanet 422526, MedGen CN074294, MONDO:0007763, OMIM 144700.
Maturity-onset diabetes of the young (MODY). Also called: Maturity onset diabetes mellitus in young. Identifiers: Orphanet 552, MedGen C0342276, MONDO:0018911, HP:0004904.

Allele frequency attached by ClinVar (database versions not stated): gnomAD exomes below 0.00001; gnomAD 0.00002; TOPMed 0.00002.
gnomAD v4.1: 9 of 1,613,146 alleles (0.00056%); highest among the groups gnomAD compares: Non-Finnish European, 0.00068%; no homozygotes.

Submissions (3):

Fulgent Genetics
Classification: Uncertain significance for Type 2 diabetes mellitus; Hepatic adenomas, familial; Nonpapillary renal cell carcinoma; Diabetes mellitus type 1; Maturity-onset diabetes of the young type 3; Type 1 diabetes mellitus 20. Last evaluated: 2024-01-03. Review status: criteria provided, single submitter. Criteria: ACMG Guidelines, 2015. Collection method: clinical testing. Allele origin: germline.

Athena Diagnostics
Classification: Uncertain significance. Last evaluated: 2020-02-21. Review status: criteria provided, single submitter. Criteria: Athena Diagnostics Criteria. Collection method: clinical testing. Allele origin: unknown.

Clinical Genomics, Uppaluri K&H Personalized Medicine Clinic
Classification: Uncertain significance for Maturity-onset diabetes of the young. Review status: criteria provided, single submitter. Criteria: K & H Uppaluri Personalized Medicine Clinic Variant Classification & Assertion Criteria_Updated V.1. Collection method: research. Allele origin: unknown. Inheritance: Autosomal dominant inheritance.
Comment: Mutations in HNF1A gene can predispose to MODY3. It is associated with both micro and macrovascular complications of diabetes, especially cardiovascular complications. Associated with glucosuria. May respond well to sulfonylureas. However, more evidence is required to confer the association of this particular variant rs1261968643 with MODY3.

Literature cited by the submitters: PubMed 31517624 (cited by Clinical Genomics, Uppaluri K&H Personalized Medicine Clinic); PubMed 32395877 (cited by Clinical Genomics, Uppaluri K&H Personalized Medicine Clinic); PubMed 35328643 (cited by Clinical Genomics, Uppaluri K&H Personalized Medicine Clinic); PubMed 35673428 (cited by Clinical Genomics, Uppaluri K&H Personalized Medicine Clinic).

NM_000545.8(HNF1A):c.125G>A (p.Gly42Asp)

Gene: HNF1A (HNF1 homeobox A; plus strand). Cytogenetic location: 12q24.31.
Variant type: single nucleotide variant.
Coding change: c.125G>A on transcript NM_000545.8 (MANE Select); coding-DNA position 125, G replaced by A.
Protein change: p.Gly42Asp; replaces glycine 42 with aspartic acid.
Molecular consequence: missense variant.
Genome position (GRCh38, 1-based): chr12:120,978,893, G>A. VCF-style: chr12-120978893-G-A. GRCh37 (hg19) VCF-style: chr12-121416696-G-A.
Other names: c.125G>A, p.Gly42Asp (NM_001306179.2); short protein forms G42D.
Identifiers: ClinVar variation 995306 (VCV000995306.4), dbSNP rs1261968643, ClinGen allele CA386953036.